The following is an entry in ClinVar:

ClinVar aggregate classification (germline): Conflicting classifications of pathogenicity. Review status: criteria provided, conflicting classifications (1 of 4 stars). 4 submissions from 4 submitters: Uncertain significance (1); Likely benign (2). 1 of the submissions does not count toward it. Last evaluated 2025-11-04.

Conditions:
SYNJ1-related disorder. Also called: SYNJ1-related condition.
Early-onset Parkinson disease 20. Also called: PARKINSON DISEASE 20, AUTOSOMAL RECESSIVE EARLY-ONSET. Identifiers: Orphanet 391411, MedGen C3809824, MONDO:0014233, OMIM 615530.
Developmental and epileptic encephalopathy, 53. Also called: Epileptic encephalopathy, early infantile, 53. Identifiers: MedGen C4479313, MONDO:0033362, OMIM 617389.

Allele frequency attached by ClinVar (database versions not stated): gnomAD exomes 0.00001 and 0.00007; ExAC 0.00011; gnomAD 0.00017 and 0.00018; TOPMed 0.00017; ESP Exome Variant Server 0.00023; 1000 Genomes Project 0.00040; 1000 Genomes Project 30x 0.00062.
gnomAD v4.1: 47 of 1,580,744 alleles (0.003%); highest among the groups gnomAD compares: African/African-American, 0.035%; no homozygotes.

Submissions (4):

Labcorp Genetics (formerly Invitae), Labcorp
Classification: Likely benign for Developmental and epileptic encephalopathy, 53; Early-onset Parkinson disease 20. Last evaluated: 2025-11-04. Review status: criteria provided, single submitter. Criteria: Invitae Variant Classification Sherloc (09022015). Collection method: clinical testing. Allele origin: germline.

Mayo Clinic Laboratories, Mayo Clinic
Classification: Uncertain significance. Last evaluated: 2025-07-11. Review status: criteria provided, single submitter. Criteria: ACMG Guidelines, 2015. Collection method: clinical testing. Allele origin: germline. Observed: 1 variant allele.

Blueprint Genetics
Classification: Likely benign. Last evaluated: 2024-04-15. Review status: criteria provided, single submitter. Criteria: ACMG Guidelines, 2015. Collection method: clinical testing. Allele origin: germline.

PreventionGenetics, part of Exact Sciences
Classification: Likely benign for SYNJ1-related condition. Last evaluated: 2019-04-26. Review status: no assertion criteria provided. Collection method: clinical testing. Allele origin: germline. Not counted in ClinVar's aggregate classification.
Comment: This variant is classified as likely benign based on ACMG/AMP sequence variant interpretation guidelines (Richards et al. 2015 PMID: 25741868, with internal and published modifications).

NM_203446.3(SYNJ1):c.1953-10T>C

Gene: SYNJ1 (synaptojanin 1; minus strand). Cytogenetic location: 21q22.11.
Variant type: single nucleotide variant.
Coding change: c.1953-10T>C on transcript NM_203446.3 (MANE Select); 10 bases into the intron before coding-DNA position 1953, T replaced by C.
Molecular consequence: intron variant.
Genome position (GRCh38, 1-based): chr21:32,666,145, A>G on the plus strand (T>C on the coding strand, the complement: SYNJ1 is on the minus strand). VCF-style: chr21-32666145-A-G. GRCh37 (hg19) VCF-style: chr21-34038455-A-G.
Other names: p.?; c.2070-10T>C (NM_003895.4, NM_003895.3); c.1953-10T>C (NM_001160302.2); c.1938-10T>C (NM_001160306.2).
Identifiers: ClinVar variation 1092383 (VCV001092383.13), dbSNP rs368736353, ClinGen allele CA10003761.
Genomic context (GRCh38, chr21:32,666,145, plus strand): 5'-TTTCCAGTTGCACCTCCCATTCCAGTCTTCACAGTATCAACTGCAACATCCCTTTGAAAC[A>G]AAGAATTCTAAATCGCAGATTTGAAATTTCAAGAGTTCCATGTGCATAGGAAATGAGGAA-3'